The following is an entry in ClinVar:

ClinVar aggregate classification (germline): Conflicting classifications of pathogenicity. Review status: criteria provided, conflicting classifications (1 of 4 stars). 5 submissions from 5 submitters: Likely pathogenic (3); Uncertain significance (1). 1 of the submissions does not count toward it. Last evaluated 2024-09-29.

Conditions:
Charcot-Marie-Tooth disease. Also called: Charcot-Marie-Tooth Hereditary Neuropathy; Charcot-Marie-Tooth Neuropathy. Identifiers: Orphanet 166, MedGen C0007959, MONDO:0015626.
Charcot-Marie-Tooth disease, type I (CMT1). Also called: Charcot-Marie-Tooth, Type 1; Charcot-Marie-Tooth disease type 1. Identifiers: Orphanet 65753, MedGen C0751036, MONDO:0019011.
Charcot-Marie-Tooth disease type 1E. Also called: Charcot-Marie-Tooth disease and deafness; CHARCOT-MARIE-TOOTH DISEASE, DEMYELINATING, TYPE 1E; CHARCOT-MARIE-TOOTH NEUROPATHY AND DEAFNESS, AUTOSOMAL DOMINANT; Charcot-Marie-Tooth Neuropathy Type 1E. Identifiers: Orphanet 90658, MedGen C3495591, MONDO:0007311, OMIM 118300.

Submissions (5):

Labcorp Genetics (formerly Invitae), Labcorp
Classification: Likely pathogenic for Charcot-Marie-Tooth disease, type I. Last evaluated: 2024-09-29. Review status: criteria provided, single submitter. Criteria: Invitae Variant Classification Sherloc (09022015). Collection method: clinical testing. Allele origin: germline.
Comment: This sequence change replaces leucine, which is neutral and non-polar, with proline, which is neutral and non-polar, at codon 78 of the PMP22 protein (p.Leu78Pro). This variant is not present in population databases (gnomAD no frequency). This missense change has been observed in individuals with Charcot-Marie-Tooth disease (PMID: 19909487; internal data). ClinVar contains an entry for this variant (Variation ID: 431943). Invitae Evidence Modeling of protein sequence and biophysical properties (such as structural, functional, and spatial information, amino acid conservation, physicochemical variation, residue mobility, and thermodynamic stability) indicates that this missense variant is expected to disrupt PMP22 protein function with a positive predictive value of 95%. In summary, the currently available evidence indicates that the variant is pathogenic, but additional data are needed to prove that conclusively. Therefore, this variant has been classified as Likely Pathogenic.

3billion
Classification: Likely pathogenic for Charcot-Marie-Tooth disease type 1E. Last evaluated: 2024-09-04. Review status: criteria provided, single submitter. Criteria: ACMG Guidelines, 2015. Collection method: clinical testing. Allele origin: germline. Affected: yes.
Comment: The variant is not observed in the gnomAD v4.0.0 dataset. Predicted Consequence/Location: Missense variant In silico tool predictions suggest damaging effect of the variant on gene or gene product [REVEL: 0.88 (>=0.6, sensitivity 0.68 and specificity 0.92); 3Cnet: 0.71 (>=0.6, sensitivity 0.72 and precision 0.9)]. The same nucleotide change resulting in the same amino acid change has been previously reported as pathogenic/likely pathogenic with strong evidence (ClinVar ID: VCV000431943 /PMID: 19909487). Therefore, this variant is classified as Likely pathogenic according to the recommendation of ACMG/AMP guideline.

Athena Diagnostics
Classification: Uncertain significance. Last evaluated: 2016-11-23. Review status: criteria provided, single submitter. Criteria: Athena Diagnostics Criteria. Collection method: clinical testing. Allele origin: germline.

GeneDx
Classification: Likely pathogenic. Last evaluated: 2016-08-03. Review status: criteria provided, single submitter. Criteria: GeneDx Variant Classification (06012015). Collection method: clinical testing. Allele origin: germline. Affected: yes.
Comment: The L78P variant has been previously reported in two related individuals with CMT1 (Pisciotta et al., 2009). It was not observed in approximately 6,500 individuals of European and African American ancestry in the NHLBI Exome Sequencing Project, indicating it is not a common benign variant in these populations. The L78P variant is a semi-conservative amino acid substitution, which may impact secondary protein structure as these residues differ in some properties. This substitution occurs at a position where amino acids with similar properties to Leucine are tolerated across species. In silico analysis predicts this variant is probably damaging to the protein structure/function. Additionally, missense variants in nearby residues have been reported in the Human Gene Mutation Database in association with CMT (Stenson et al., 2014), supporting the functional importance of this region of the protein. Therefore, this variant is likely pathogenic; however, the possibility that it is benign cannot be excluded.

Inherited Neuropathy Consortium
Classification: Uncertain significance for Charcot-Marie-Tooth disease. Review status: no assertion criteria provided. Collection method: literature only. Allele origin: germline. Affected: yes. Not counted in ClinVar's aggregate classification.

Literature cited by the submitters: PubMed 19909487 (cited by 4 submitters); PubMed 25192979 (cited by Athena Diagnostics); PubMed 25429913 (cited by Athena Diagnostics).

NM_000304.4(PMP22):c.233T>C (p.Leu78Pro)

Gene: PMP22 (peripheral myelin protein 22; minus strand). Cytogenetic location: 17p12.
Variant type: single nucleotide variant.
Coding change: c.233T>C on transcript NM_000304.4 (MANE Select); coding-DNA position 233, T replaced by C.
Protein change: p.Leu78Pro; replaces leucine 78 with proline.
Molecular consequence: missense variant. On other transcripts: non-coding transcript variant (2).
Genome position (GRCh38, 1-based): chr17:15,239,557, A>G on the plus strand (T>C on the coding strand, the complement: PMP22 is on the minus strand). VCF-style: chr17-15239557-A-G. GRCh37 (hg19) VCF-style: chr17-15142874-A-G.
Other names: c.233T>C, p.Leu78Pro (NM_001281455.2, NM_001281456.2, NM_001330143.2 and 2 more transcripts); short protein forms L78P.
Identifiers: ClinVar variation 431943 (VCV000431943.8), dbSNP rs1555565276, ClinGen allele CA398268114.
Genomic context (GRCh38, chr17:15,239,557, plus strand): 5'-ATGTAAAACCTGCCCCCCTTGGTGAGGGTGAAGAGTTGGCAGAAGAACAGGAACAGAGAC[A>G]GAATGCTGAAGATGATCGACAGGATCATGGTGGCCTGGACAGACTGCAGCCATTCTGGGG-3'
Protein context (NP_000295.1, residues 68-88): TMILSIIFSI[Leu78Pro]SLFLFFCQLF